The following is an entry in ClinVar:

ClinVar aggregate classification (germline): Uncertain significance (1 of 4 stars; one submission).

Submission:

Labcorp Genetics (formerly Invitae), Labcorp
Classification: Uncertain significance. Last evaluated: 2023-05-16. Review status: criteria provided, single submitter. Criteria: Invitae Variant Classification Sherloc (09022015). Collection method: clinical testing. Allele origin: germline.
Comment: In summary, the available evidence is currently insufficient to determine the role of this variant in disease. Therefore, it has been classified as a Variant of Uncertain Significance. This sequence change falls in intron 4 of the NACC1 gene. It does not directly change the encoded amino acid sequence of the NACC1 protein. It affects a nucleotide within the consensus splice site. This variant is not present in population databases (gnomAD no frequency). This variant has not been reported in the literature in individuals affected with NACC1-related conditions. Variants that disrupt the consensus splice site are a relatively common cause of aberrant splicing (PMID: 17576681, 9536098). Algorithms developed to predict the effect of sequence changes on RNA splicing suggest that this variant may create or strengthen a splice site.

Literature cited by the submitters: PubMed 17576681; PubMed 9536098.

NM_052876.4(NACC1):c.1226+3A>C

Gene: NACC1 (nucleus accumbens associated 1; plus strand). Cytogenetic location: 19p13.13.
Variant type: single nucleotide variant.
Coding change: c.1226+3A>C on transcript NM_052876.4 (MANE Select); 3 bases into the intron after coding-DNA position 1226, A replaced by C.
Molecular consequence: intron variant.
Genome position (GRCh38, 1-based): chr19:13,137,379, A>C. VCF-style: chr19-13137379-A-C. GRCh37 (hg19) VCF-style: chr19-13248193-A-C.
Identifiers: ClinVar variation 2864829 (VCV002864829.3), dbSNP rs2513138105, ClinGen allele CA2739276565.